The following is an entry in ClinVar:

ClinVar aggregate classification (germline): Conflicting classifications of pathogenicity. Review status: criteria provided, conflicting classifications (1 of 4 stars). 6 submissions from 6 submitters: Uncertain significance (3); Likely benign (3). Last evaluated 2026-01-26.

Conditions:
Inborn genetic diseases. Identifiers: MedGen C0950123, MeSH D030342.
ANK3-related disorder. Also called: ANK3-related condition.
Intellectual developmental disorder, autosomal recessive 37. Also called: Intellectual disability-hypotonia-spasticity-sleep disorder syndrome. Identifiers: Orphanet 356996, MedGen C3809672, MONDO:0014210, OMIM 615493.

Allele frequency attached by ClinVar (database versions not stated): 1000 Genomes Project 30x 0.00031; 1000 Genomes Project 0.00040; gnomAD exomes 0.00072; gnomAD 0.00073; TOPMed 0.00075; ExAC 0.00077; ESP Exome Variant Server 0.00077.
gnomAD v4.1: 1,156 of 1,613,732 alleles (0.072%); highest among the groups gnomAD compares: Middle Eastern, 0.46%; no homozygotes.

Submissions (6):

Labcorp Genetics (formerly Invitae), Labcorp
Classification: Likely benign. Last evaluated: 2026-01-26. Review status: criteria provided, single submitter. Criteria: Invitae Variant Classification Sherloc (09022015). Collection method: clinical testing. Allele origin: germline.

PreventionGenetics, part of Exact Sciences
Classification: Likely benign for ANK3-related condition. Last evaluated: 2025-11-25. Review status: criteria provided, single submitter. Criteria: ACMG Guidelines, 2015. Collection method: clinical testing. Allele origin: germline.
Comment: This variant is classified as likely benign based on ACMG/AMP sequence variant interpretation guidelines (Richards et al. 2015 PMID: 25741868, with internal and published modifications).

Ambry Genetics
Classification: Likely benign for Inborn genetic diseases. Last evaluated: 2025-05-02. Review status: criteria provided, single submitter. Criteria: Ambry Variant Classification Scheme 2023. Collection method: clinical testing. Allele origin: germline.

Fulgent Genetics
Classification: Uncertain significance for Intellectual developmental disorder, autosomal recessive 37. Last evaluated: 2018-10-31. Review status: criteria provided, single submitter. Criteria: ACMG Guidelines, 2015. Collection method: clinical testing. Allele origin: unknown.

GeneDx
Classification: Uncertain significance. Last evaluated: 2017-07-13. Review status: criteria provided, single submitter. Criteria: GeneDx Variant Classification (06012015). Collection method: clinical testing. Allele origin: germline. Affected: yes.
Comment: The P2490L variant in the ANK3 gene has not been reported previously as a pathogenic variant, nor as a benign variant, to our knowledge. The P2490L variant was not observed with any significant frequency in approximately 6500 individuals of European and African American ancestry in the NHLBI Exome Sequencing Project, indicating it is not a common benign variant in these populations. The P2490L variant is a semi-conservative amino acid substitution, which may impact secondary protein structure as these residues differ in some properties. This substitution occurs at a position that is not conserved, and in silico analysis is inconsistent in its predictions as to whether or not the variant is damaging to the protein structure/function. We interpret P2490L as a variant of uncertain significance.

Genetic Services Laboratory, University of Chicago
Classification: Uncertain significance. Last evaluated: 2014-12-29. Review status: criteria provided, single submitter. Criteria: ACMG Guidelines, 2015. Collection method: clinical testing. Allele origin: germline.

NM_020987.5(ANK3):c.7469C>T (p.Pro2490Leu)

Gene: ANK3 (ankyrin 3; minus strand). Cytogenetic location: 10q21.2.
Variant type: single nucleotide variant.
Coding change: c.7469C>T on transcript NM_020987.5 (MANE Select); coding-DNA position 7469, C replaced by T.
Protein change: p.Pro2490Leu; replaces proline 2490 with leucine.
Molecular consequence: missense variant. On other transcripts: intron variant (4).
Genome position (GRCh38, 1-based): chr10:60,073,412, G>A on the plus strand (C>T on the coding strand, the complement: ANK3 is on the minus strand). VCF-style: chr10-60073412-G-A. GRCh37 (hg19) VCF-style: chr10-61833170-G-A.
Other names: c.4388-5403C>T (NM_001204403.2); c.4409-5403C>T (NM_001204404.2); c.4406-5403C>T (NM_001320874.2); c.1808-5403C>T (NM_001149.4); short protein forms P2490L.
Identifiers: ClinVar variation 210171 (VCV000210171.22), dbSNP rs140741466, ClinGen allele CA206083.